The following is an entry in ClinVar:

ClinVar aggregate classification (germline): Uncertain significance (1 of 4 stars; one submission).

Submission:

Labcorp Genetics (formerly Invitae), Labcorp
Classification: Uncertain significance. Last evaluated: 2021-09-04. Review status: criteria provided, single submitter. Criteria: Invitae Variant Classification Sherloc (09022015). Collection method: clinical testing. Allele origin: germline.
Comment: This sequence change replaces glutamic acid with valine at codon 276 of the STAR protein (p.Glu276Val). The glutamic acid residue is moderately conserved and there is a moderate physicochemical difference between glutamic acid and valine. This variant is not present in population databases (ExAC no frequency). This variant has not been reported in the literature in individuals affected with STAR-related conditions. Algorithms developed to predict the effect of missense changes on protein structure and function (SIFT, PolyPhen-2, Align-GVGD) all suggest that this variant is likely to be tolerated. In summary, the available evidence is currently insufficient to determine the role of this variant in disease. Therefore, it has been classified as a Variant of Uncertain Significance.

NM_000349.3(STAR):c.827A>T (p.Glu276Val)

Gene: STAR (steroidogenic acute regulatory protein; minus strand). Cytogenetic location: 8p11.23.
Variant type: single nucleotide variant.
Coding change: c.827A>T on transcript NM_000349.3 (MANE Select); coding-DNA position 827, A replaced by T.
Protein change: p.Glu276Val; replaces glutamic acid 276 with valine.
Molecular consequence: missense variant.
Genome position (GRCh38, 1-based): chr8:38,144,304, T>A on the plus strand (A>T on the coding strand, the complement: STAR is on the minus strand). VCF-style: chr8-38144304-T-A. GRCh37 (hg19) VCF-style: chr8-38001822-T-A.
Other names: short protein forms E276V.
Identifiers: ClinVar variation 1424512 (VCV001424512.3), dbSNP rs2130611086, ClinGen allele CA370695628.